The following is an entry in ClinVar:

ClinVar aggregate classification (germline): Uncertain significance. Review status: criteria provided, multiple submitters, no conflicts (2 of 4 stars). 3 submissions from 3 submitters: Uncertain significance (3). Last evaluated 2024-06-14.

Conditions:
Familial cancer of breast. Also called: BREAST CANCER, FAMILIAL; Hereditary breast cancer; hereditary breast carcinoma. Identifiers: Orphanet 227535, MedGen C0346153, MONDO:0016419, OMIM 114480. Disease mechanism: loss of function.
Fanconi anemia complementation group J. Also called: BRIP1-Related Fanconi Anemia. Identifiers: Orphanet 84, MedGen C1836860, MONDO:0012187, OMIM 609054.

Submissions (3):

Revvity Omics, Revvity
Classification: Uncertain significance for Fanconi anemia complementation group J. Last evaluated: 2024-06-14. Review status: criteria provided, single submitter. Criteria: ACMG Guidelines, 2015. Collection method: clinical testing. Allele origin: germline.

KCCC/NGS Laboratory, Kuwait Cancer Control Center
Classification: Uncertain significance for Familial cancer of breast. Last evaluated: 2023-10-24. Review status: criteria provided, single submitter. Criteria: ACMG Guidelines, 2015. Collection method: clinical testing. Allele origin: germline. Inheritance: Autosomal dominant inheritance. Affected: yes. Observed: 1 heterozygote.
Comment: This sequence change replaces methionine with isoleucine at codon 526 of the BRIP1 protein (p.Met526Ile). The methionine residue is weakly conserved (PhyloP=2.2) and there is a small physicochemical difference between methionine and isoleucine. This variant is not present in population databases (gnomAD). This variant has not been reported in the literature in individuals affected with BRIP1-related conditions. In silico predictions show benign predictions . In summary, the available evidence is currently insufficient to determine the role of this variant in disease. Therefore, it has been classified as a Variant of Uncertain Significance.

Labcorp Genetics (formerly Invitae), Labcorp
Classification: Uncertain significance for Familial cancer of breast; Fanconi anemia complementation group J. Last evaluated: 2019-08-18. Review status: criteria provided, single submitter. Criteria: Invitae Variant Classification Sherloc (09022015). Collection method: clinical testing. Allele origin: germline.
Comment: This sequence change replaces methionine with isoleucine at codon 526 of the BRIP1 protein (p.Met526Ile). The methionine residue is weakly conserved and there is a small physicochemical difference between methionine and isoleucine. This variant is not present in population databases (ExAC no frequency). This variant has not been reported in the literature in individuals with BRIP1-related conditions. Algorithms developed to predict the effect of missense changes on protein structure and function (SIFT, PolyPhen-2, Align-GVGD) all suggest that this variant is likely to be tolerated, but these predictions have not been confirmed by published functional studies and their clinical significance is uncertain. In summary, the available evidence is currently insufficient to determine the role of this variant in disease. Therefore, it has been classified as a Variant of Uncertain Significance.

NM_032043.3(BRIP1):c.1578G>A (p.Met526Ile)

Gene: BRIP1 (BRCA1 interacting DNA helicase 1; minus strand). Cytogenetic location: 17q23.2.
Variant type: single nucleotide variant.
Coding change: c.1578G>A on transcript NM_032043.3 (MANE Select); coding-DNA position 1578, G replaced by A.
Protein change: p.Met526Ile; replaces methionine 526 with isoleucine.
Molecular consequence: missense variant.
Genome position (GRCh38, 1-based): chr17:61,784,320, C>T on the plus strand (G>A on the coding strand, the complement: BRIP1 is on the minus strand). VCF-style: chr17-61784320-C-T. GRCh37 (hg19) VCF-style: chr17-59861681-C-T.
Other names: short protein forms M526I.
Identifiers: ClinVar variation 947895 (VCV000947895.12), dbSNP rs2077668951, ClinGen allele CA16020689.